The following is an entry in ClinVar:

NM_144508.5(KNL1):c.812C>G (p.Thr271Ser)

Gene: KNL1 (kinetochore scaffold 1; plus strand). Cytogenetic location: 15q15.1.
Variant type: single nucleotide variant.
Coding change: c.812C>G on transcript NM_144508.5 (MANE Select); coding-DNA position 812, C replaced by G.
Protein change: p.Thr271Ser; replaces threonine 271 with serine.
Molecular consequence: missense variant.
Genome position (GRCh38, 1-based): chr15:40,621,076, C>G. VCF-style: chr15-40621076-C-G. GRCh37 (hg19) VCF-style: chr15-40913274-C-G.
Other names: c.890C>G, p.Thr297Ser (NM_170589.5); short protein forms T297S, T271S.
Identifiers: ClinVar variation 315844 (VCV000315844.12), dbSNP rs201037775, ClinGen allele CA7482578.
Genomic context (GRCh38, chr15:40,621,076, plus strand): 5'-CCTCTTCTACACATCAAATGCATGTATCTCTTAAGGAAGATGAAAATAACAGTAATATTA[C>G]TAGGCTCTTTAGAGAAAAAGATGATGGGATGAATTTCACCCAGTGTCATACAGCCAATAT-3'
Protein context (NP_653091.3, residues 261-281): LKEDENNSNI[Thr271Ser]RLFREKDDGM

ClinVar aggregate classification (germline): Conflicting classifications of pathogenicity. Review status: criteria provided, conflicting classifications (1 of 4 stars). 5 submissions from 5 submitters: Uncertain significance (1); Likely benign (3). 1 of the submissions does not count toward it. Last evaluated 2026-01-27.

Conditions:
KNL1-related disorder. Also called: KNL1-related condition.
Microcephaly 4, primary, autosomal recessive. Identifiers: Orphanet 2512, MedGen C1858516, MONDO:0011437, OMIM 604321.

Allele frequency attached by ClinVar (database versions not stated): gnomAD exomes 0.00011 and 0.00029; ExAC 0.00035; ESP Exome Variant Server 0.00101; gnomAD 0.00115 and 0.00120; TOPMed 0.00130; 1000 Genomes Project 30x 0.00234; 1000 Genomes Project 0.00240.
gnomAD v4.1: 345 of 1,612,892 alleles (0.021%); highest among the groups gnomAD compares: African/African-American, 0.38%; no homozygotes.

Submissions (5):

PreventionGenetics, part of Exact Sciences
Classification: Likely benign for KNL1-related condition. Last evaluated: 2026-01-27. Review status: criteria provided, single submitter. Criteria: ACMG Guidelines, 2015. Collection method: clinical testing. Allele origin: germline.
Comment: This variant is classified as likely benign based on ACMG/AMP sequence variant interpretation guidelines (Richards et al. 2015 PMID: 25741868, with internal and published modifications).

GeneDx
Classification: Likely benign. Last evaluated: 2018-12-14. Review status: criteria provided, single submitter. Criteria: GeneDx Variant Classification Process June 2021. Collection method: clinical testing. Allele origin: germline. Affected: yes.

Labcorp Genetics (formerly Invitae), Labcorp
Classification: Likely benign. Last evaluated: 2018-06-29. Review status: criteria provided, single submitter. Criteria: Invitae Variant Classification Sherloc (09022015). Collection method: clinical testing. Allele origin: germline.

Illumina Laboratory Services, Illumina
Classification: Uncertain significance for Microcephaly 4, primary, autosomal recessive. Last evaluated: 2018-01-13. Review status: criteria provided, single submitter. Criteria: ICSL Variant Classification Criteria 13 December 2019. Collection method: clinical testing. Allele origin: germline.

Department of Pathology and Laboratory Medicine, Sinai Health System
Classification: Likely benign. Review status: no assertion criteria provided. Collection method: clinical testing. Allele origin: unknown. Affected: yes. Study: The Canadian Open Genetics Repository (COGR). Not counted in ClinVar's aggregate classification.
Comment: The KNL1 p.Thr297Ser variant was not identified in the literature but was identified in dbSNP (ID: rs201037775), LOVD 3.0 and ClinVar (classified as uncertain significance by Illumina and GeneDX, and as likely benign by Invitae). The variant was identified in control databases in 117 of 279546 chromosomes at a frequency of 0.0004185 increasing the likelihood this could be a low frequency benign variant (Genome Aggregation Database March 6, 2019, v2.1.1). The variant was observed in the following populations: African in 101 of 24148 chromosomes (freq: 0.004183), Latino in 9 of 34990 chromosomes (freq: 0.000257), Other in 1 of 7082 chromosomes (freq: 0.000141) and European (non-Finnish) in 6 of 128134 chromosomes (freq: 0.000047), but was not observed in the Ashkenazi Jewish, East Asian, European (Finnish), and South Asian populations. The p.Thr297 residue is conserved in mammals but not in more distantly related organisms however four out of five computational analyses (PolyPhen-2, SIFT, AlignGVGD, BLOSUM, MutationTaster) do not suggest a high likelihood of impact to the protein; this information is not predictive enough to rule out pathogenicity. The variant occurs outside of the splicing consensus sequence and in silico or computational prediction software programs (SpliceSiteFinder, MaxEntScan, NNSPLICE, GeneSplicer) do not predict a difference in splicing. In summary, based on the above information the clinical significance of this variant cannot be determined with certainty at this time although we would lean towards a more benign role for this variant. This variant is classified as likely benign.